The following is an entry in ClinVar:

ClinVar aggregate classification (germline): Pathogenic (1 of 4 stars; one submission).

Allele frequency attached by ClinVar (database versions not stated): gnomAD exomes below 0.00001.

Submission:

Labcorp Genetics (formerly Invitae), Labcorp
Classification: Pathogenic. Last evaluated: 2023-12-19. Review status: criteria provided, single submitter. Criteria: Invitae Variant Classification Sherloc (09022015). Collection method: clinical testing. Allele origin: germline.
Comment: This sequence change results in a frameshift in the ADAMTS17 gene (p.Gly1005Alafs*133). While this is not anticipated to result in nonsense mediated decay, it is expected to disrupt the last 91 amino acid(s) of the ADAMTS17 protein and extend the protein by 41 additional amino acid residues. This variant is not present in population databases (gnomAD no frequency). This variant has not been reported in the literature in individuals affected with ADAMTS17-related conditions. This variant disrupts a region of the ADAMTS17 protein in which other variant(s) (p.Cys1023Tyr) have been determined to be pathogenic (PMID: 32616716). This suggests that this is a clinically significant region of the protein, and that variants that disrupt it are likely to be disease-causing. For these reasons, this variant has been classified as Pathogenic.

Literature cited by the submitters: PubMed 32616716.

NM_139057.4(ADAMTS17):c.3012_3013del (p.Gly1005fs)

Gene: ADAMTS17 (ADAM metallopeptidase with thrombospondin type 1 motif 17; minus strand). Cytogenetic location: 15q26.3.
Variant type: Deletion.
Coding change: c.3012_3013del on transcript NM_139057.4 (MANE Select); coding-DNA positions 3012 to 3013, 2 bases deleted (AG; older notation c.3012_3013delAG).
Protein change: p.Gly1005fs; shifts the reading frame from glycine 1005.
Molecular consequence: frameshift variant.
Genome position (GRCh38, 1-based): chr15:99,976,159-99,976,160, CT deleted on the plus strand (AG on the coding strand, the reverse complement: ADAMTS17 is on the minus strand). VCF-style (leftmost placement, unchanged base first): chr15-99976158-CCT-C. GRCh37 (hg19) VCF-style: chr15-100516363-CCT-C.
Other names: short protein forms G1005fs.
Identifiers: ClinVar variation 2704035 (VCV002704035.3), dbSNP rs2141262666, ClinGen allele CA2630604965.
Genomic context (GRCh38, chr15:99,976,158, plus strand): 5'-TGGTAGCACTGTCTGTAGGGGGCAGGCTTCGAGAGGGCGGGGCACTCGCTGCCGTGGCGC[CCT>C]GTGACCTTGTGCATGCACTGCACCACCCGGGACTGCAGGCCCTTCCCGCAGGTCGACGAG-3'